The following is an entry in ClinVar:

NM_001395002.1(MAP4K4):c.1853C>G (p.Pro618Arg)

Gene: MAP4K4 (mitogen-activated protein kinase kinase kinase kinase 4; plus strand). Cytogenetic location: 2q11.2.
Variant type: single nucleotide variant.
Coding change: c.1853C>G on transcript NM_001395002.1 (MANE Select); coding-DNA position 1853, C replaced by G.
Protein change: p.Pro618Arg; replaces proline 618 with arginine.
Molecular consequence: missense variant. On other transcripts: intron variant (34).
Genome position (GRCh38, 1-based): chr2:101,860,973, C>G. VCF-style: chr2-101860973-C-G. GRCh37 (hg19) VCF-style: chr2-102477435-C-G.
Other names: c.1853C>G, p.Pro618Arg (NM_001242559.2, NM_001384481.1, NM_001384486.1 and 4 more transcripts); c.1760C>G, p.Pro587Arg (NM_001384492.1, NM_001384520.1, NM_001384543.1 and 2 more transcripts); c.1733C>G, p.Pro578Arg (NM_001384551.1, NM_001384557.1, NM_001384564.1); c.1826C>G, p.Pro609Arg (NM_001384579.1); c.1704+1109C>G (NM_001384493.1, NM_001384485.1, NM_001384484.1 and 7 more transcripts); c.1611+1109C>G (NM_001242560.2, NM_001384487.1, NM_001384491.1 and 5 more transcripts); c.1617+1109C>G (NM_001384548.1); c.1677+1109C>G (NM_001384555.1, NM_001384572.1, NM_001384552.1 and 5 more transcripts); and 2 more; short protein forms P578R, P587R, P609R, P618R.
Identifiers: ClinVar variation 2573811 (VCV002573811.1), dbSNP rs2468033148, ClinGen allele CA347915867.

ClinVar aggregate classification (germline): Uncertain significance (1 of 4 stars; one submission).

Allele frequency attached by ClinVar (database versions not stated): gnomAD exomes below 0.00001.
gnomAD v4.1: 2 of 1,598,630 alleles (0.00013%); highest among the groups gnomAD compares: Non-Finnish European, 0.00017%; no homozygotes.

Submission:

GeneDx
Classification: Uncertain significance. Last evaluated: 2022-09-12. Review status: criteria provided, single submitter. Criteria: GeneDx Variant Classification Process June 2021. Collection method: clinical testing. Allele origin: germline. Affected: yes.
Comment: Not observed at significant frequency in large population cohorts (gnomAD); In silico analysis supports that this missense variant has a deleterious effect on protein structure/function; Has not been previously published as pathogenic or benign to our knowledge; Variants in candidate genes are classified as variants of uncertain significance in accordance with ACMG guidelines (Richards et al., 2015)